The following is an entry in ClinVar:

ClinVar aggregate classification (germline): Pathogenic (1 of 4 stars; one submission).

Conditions:
Mucopolysaccharidosis, MPS-III-A (MPS3A). Also called: MUCOPOLYSACCHARIDOSIS, TYPE IIIA, ATTENUATED; SANFILIPPO SYNDROME A; SULFAMIDASE DEFICIENCY; mucopolysaccharidosis type 3A; Mucopolysaccharidosis type IIIA (Sanfilippo A); MPS IIIA (Sanfilippo Syndrome Type A). Identifiers: Orphanet 581, Orphanet 79269, MedGen C0086647, MONDO:0009655, OMIM 252900.

Submission:

Myriad Genetics, Inc.
Classification: Pathogenic for Mucopolysaccharidosis, MPS-III-A. Last evaluated: 2025-10-13. Review status: criteria provided, single submitter. Criteria: Myriad Autosomal Dominant, Autosomal Recessive and X-Linked Classification Criteria (2023). Collection method: clinical testing. Allele origin: unknown.
Comment: NM_000199.3(SGSH):c.1255C>T(Q419*) is a nonsense variant classified as pathogenic in the context of mucopolysaccharidosis type IIIA. Q419* has not been observed in cases with relevant disease. Relevant functional assessments of this variant are not available in the literature. Q419* has not been observed in referenced population frequency databases. In summary, NM_000199.3(SGSH):c.1255C>T(Q419*) is a nonsense variant in a gene where loss of function is a known mechanism of disease and is predicted to disrupt protein function. Please note: this variant was assessed in the context of healthy population screening.

NM_000199.5(SGSH):c.1255C>T (p.Gln419Ter)

Gene: SGSH (N-sulfoglucosamine sulfohydrolase; minus strand). Cytogenetic location: 17q25.3.
Variant type: single nucleotide variant.
Coding change: c.1255C>T on transcript NM_000199.5 (MANE Select); coding-DNA position 1255, C replaced by T.
Protein change: p.Gln419Ter; replaces glutamine 419 with a stop codon.
Molecular consequence: nonsense. On other transcripts: 3 prime UTR variant (2), non-coding transcript variant (1).
Genome position (GRCh38, 1-based): chr17:80,210,706, G>A on the plus strand (C>T on the coding strand, the complement: SGSH is on the minus strand). VCF-style: chr17-80210706-G-A. GRCh37 (hg19) VCF-style: chr17-78184505-G-A.
Other names: c.*342C>T (NM_001352921.3); c.*305C>T (NM_001352922.2); short protein forms Q419*.
Identifiers: ClinVar variation 5003378 (VCV005003378.1).